The following is an entry in ClinVar:

ClinVar aggregate classification (germline): Conflicting classifications of pathogenicity. Review status: criteria provided, conflicting classifications (1 of 4 stars). 7 submissions from 7 submitters: Uncertain significance (1); Benign (1); Likely benign (3). 2 of the submissions do not count toward it. Last evaluated 2026-01-27.

Conditions:
Early-infantile DEE. Also called: Ohtahara syndrome; Early infantile epileptic encephalopathy; Early infantile epileptic encephalopathy with suppression bursts. Identifiers: Orphanet 1934, MedGen C0393706, MONDO:0800491.
Inborn genetic diseases. Identifiers: MedGen C0950123, MeSH D030342.

Allele frequency attached by ClinVar (database versions not stated): gnomAD 0.00010 and 0.00011; TOPMed 0.00011; gnomAD exomes 0.00021; ExAC 0.00037.
gnomAD v4.1: 281 of 1,546,216 alleles (0.018%); highest among the groups gnomAD compares: Middle Eastern, 0.033%; no homozygotes.

Submissions (7):

Labcorp Genetics (formerly Invitae), Labcorp
Classification: Likely benign for Early-infantile DEE. Last evaluated: 2026-01-27. Review status: criteria provided, single submitter. Criteria: Invitae Variant Classification Sherloc (09022015). Collection method: clinical testing. Allele origin: germline.

Blueprint Genetics
Classification: Likely benign. Last evaluated: 2024-09-16. Review status: criteria provided, single submitter. Criteria: ACMG Guidelines, 2015. Collection method: clinical testing. Allele origin: germline.

Ambry Genetics
Classification: Likely benign for Inborn genetic diseases. Last evaluated: 2018-04-03. Review status: criteria provided, single submitter. Criteria: Ambry Variant Classification Scheme 2023. Collection method: clinical testing. Allele origin: germline.

Eurofins Ntd Llc (ga)
Classification: Uncertain significance. Last evaluated: 2016-10-21. Review status: criteria provided, single submitter. Criteria: EGL Classification Definitions 2015. Collection method: clinical testing. Allele origin: germline. Observed: 1 variant allele, 1 heterozygote.

GeneDx
Classification: Benign. Last evaluated: 2015-01-09. Review status: criteria provided, single submitter. Criteria: GeneDx Variant Classification (06012015). Collection method: clinical testing. Allele origin: germline. Affected: yes.
Comment: This variant is considered likely benign or benign based on one or more of the following criteria: it is a conservative change, it occurs at a poorly conserved position in the protein, it is predicted to be benign by multiple in silico algorithms, and/or has population frequency not consistent with disease.

Clinical Genetics DNA and cytogenetics Diagnostics Lab, Erasmus MC, Erasmus Medical Center
Classification: Likely benign. Review status: no assertion criteria provided. Collection method: clinical testing. Allele origin: germline. Affected: yes. Study: VKGL Data-share Consensus. Not counted in ClinVar's aggregate classification.

Genome Diagnostics Laboratory, University Medical Center Utrecht
Classification: Likely benign. Review status: no assertion criteria provided. Collection method: clinical testing. Allele origin: germline. Affected: yes. Study: VKGL Data-share Consensus. Not counted in ClinVar's aggregate classification.

NM_001191061.2(SLC25A22):c.414C>T (p.Ala138=)

Gene: SLC25A22 (solute carrier family 25 member 22; minus strand). Cytogenetic location: 11p15.5.
Variant type: single nucleotide variant.
Coding change: c.414C>T on transcript NM_001191061.2 (MANE Select); coding-DNA position 414, C replaced by T.
Protein change: p.Ala138=; no amino-acid change (alanine 138 retained).
Molecular consequence: synonymous variant.
Genome position (GRCh38, 1-based): chr11:792,726, G>A on the plus strand (C>T on the coding strand, the complement: SLC25A22 is on the minus strand). VCF-style: chr11-792726-G-A. GRCh37 (hg19) VCF-style: chr11-792726-G-A.
Other names: p.A138A:GCC>GCT; c.414C>T, p.Ala138= (NM_001191060.2, NM_024698.6).
Identifiers: ClinVar variation 207151 (VCV000207151.21), dbSNP rs199887745, ClinGen allele CA318339.
Genomic context (GRCh38, chr11:792,726, plus strand): 5'-GGGCTGGGCACCCCCCTGGGCCGAGAGCTGGCCCTGGGCAGCCAGGATCTTCCTCTGGGC[G>A]GCTGGGGACAAAGAGGCTGCTGTCTCCTCTTCTGTGCGAACTGGGCAGGGGACACGCTCT-3'
Protein context (NP_001177990.1, residues 128-148): KIQLQDAGRI[Ala138=]AQRKILAAQG